The following is an entry in ClinVar:

ClinVar aggregate classification (germline): Pathogenic (1 of 4 stars; one submission).

Conditions:
Combined oxidative phosphorylation defect type 17. Also called: Combined oxidative phosphorylation deficiency 17. Identifiers: Orphanet 369913, MedGen C3809526, MONDO:0014190, OMIM 615440.

Submission:

Labcorp Genetics (formerly Invitae), Labcorp
Classification: Pathogenic for Combined oxidative phosphorylation defect type 17. Last evaluated: 2025-04-30. Review status: criteria provided, single submitter. Criteria: Invitae Variant Classification Sherloc (09022015). Collection method: clinical testing. Allele origin: germline.
Comment: This sequence change creates a premature translational stop signal (p.Val460Cysfs*35) in the ELAC2 gene. It is expected to result in an absent or disrupted protein product. Loss-of-function variants in ELAC2 are known to be pathogenic (PMID: 27769300, 31045291). This variant is not present in population databases (gnomAD no frequency). This variant has not been reported in the literature in individuals affected with ELAC2-related conditions. For these reasons, this variant has been classified as Pathogenic.

Literature cited by the submitters: PubMed 27769300; PubMed 31045291.

NM_018127.7(ELAC2):c.1378del (p.Val460fs)

Gene: ELAC2 (elaC ribonuclease Z 2; minus strand). Cytogenetic location: 17p12.
Variant type: Deletion.
Coding change: c.1378del on transcript NM_018127.7 (MANE Select); coding-DNA position 1378, one base deleted (G; older notation c.1378delG).
Protein change: p.Val460fs; shifts the reading frame from valine 460.
Molecular consequence: frameshift variant.
Genome position (GRCh38, 1-based): chr17:13,000,201, C deleted on the plus strand (G on the coding strand, the reverse complement: ELAC2 is on the minus strand). VCF-style (leftmost placement, unchanged base first): chr17-13000200-AC-A. GRCh37 (hg19) VCF-style: chr17-12903517-AC-A.
Other names: c.1258del, p.Val420fs (NM_001165962.2); c.1375del, p.Val459fs (NM_173717.2); short protein forms V459fs, V420fs, V460fs.
Identifiers: ClinVar variation 4718660 (VCV004718660.1).